The following is an entry in ClinVar:

NM_002860.4(ALDH18A1):c.799G>C (p.Asp267His)

Gene: ALDH18A1 (aldehyde dehydrogenase 18 family member A1; minus strand). Cytogenetic location: 10q24.1.
Variant type: single nucleotide variant.
Coding change: c.799G>C on transcript NM_002860.4 (MANE Select); coding-DNA position 799, G replaced by C.
Protein change: p.Asp267His; replaces aspartic acid 267 with histidine.
Molecular consequence: missense variant.
Genome position (GRCh38, 1-based): chr10:95,632,968, C>G on the plus strand (G>C on the coding strand, the complement: ALDH18A1 is on the minus strand). VCF-style: chr10-95632968-C-G. GRCh37 (hg19) VCF-style: chr10-97392725-C-G.
Other names: c.793G>C, p.Asp265His (NM_001017423.2, NM_001323415.2); c.466G>C, p.Asp156His (NM_001323412.2, NM_001323416.2); c.799G>C, p.Asp267His (NM_001323413.2, NM_001323414.2); c.694G>C, p.Asp232His (NM_001323417.2); c.460G>C, p.Asp154His (NM_001323418.2); c.163G>C, p.Asp55His (NM_001323419.2); short protein forms D232H, D265H, D156H, D267H, D154H, D55H.
Identifiers: ClinVar variation 4790584 (VCV004790584.1).

ClinVar aggregate classification (germline): Uncertain significance (1 of 4 stars; one submission).

Conditions:
Cutis laxa, autosomal dominant 3 (ADCL3). Identifiers: Orphanet 90348, MedGen C4225268, MONDO:0014706, OMIM 616603.
Autosomal dominant spastic paraplegia type 9. Identifiers: MedGen C1832669, MONDO:0015091.
de Barsy syndrome. Also called: Cutis laxa-corneal clouding-oligophrenia syndrome. Identifiers: Orphanet 2962, MedGen C0268354, MONDO:0017569.

Submission:

Labcorp Genetics (formerly Invitae), Labcorp
Classification: Uncertain significance for Autosomal dominant spastic paraplegia type 9; de Barsy syndrome; Cutis laxa, autosomal dominant 3. Last evaluated: 2025-08-22. Review status: criteria provided, single submitter. Criteria: Invitae Variant Classification Sherloc (09022015). Collection method: clinical testing. Allele origin: germline.
Comment: This sequence change replaces aspartic acid, which is acidic and polar, with histidine, which is basic and polar, at codon 267 of the ALDH18A1 protein (p.Asp267His). This variant is not present in population databases (gnomAD no frequency). This variant has not been reported in the literature in individuals affected with ALDH18A1-related conditions. Invitae Evidence Modeling of protein sequence and biophysical properties (such as structural, functional, and spatial information, amino acid conservation, physicochemical variation, residue mobility, and thermodynamic stability) has been performed for this missense variant. However, the output from this modeling did not meet the statistical confidence thresholds required to predict the impact of this variant on ALDH18A1 protein function. In summary, the available evidence is currently insufficient to determine the role of this variant in disease. Therefore, it has been classified as a Variant of Uncertain Significance.